The following is an entry in ClinVar:

NM_002016.2(FLG):c.9887C>A (p.Ser3296Ter)

Genes: FLG (filaggrin; minus strand), CCDST (cervical cancer associated DHX9 suppressive transcript; plus strand). Cytogenetic location: 1q21.3.
Variant type: single nucleotide variant.
Coding change: c.9887C>A on transcript NM_002016.2 (MANE Select); coding-DNA position 9887, C replaced by A.
Protein change: p.Ser3296Ter; replaces serine 3296 with a stop codon.
Molecular consequence: nonsense.
Genome position (GRCh38, 1-based): chr1:152,304,999, G>T on the plus strand (C>A on the coding strand, the complement: FLG is on the minus strand). VCF-style: chr1-152304999-G-T. GRCh37 (hg19) VCF-style: chr1-152277475-G-T.
Other names: short protein forms S3296*.
Identifiers: ClinVar variation 225360 (VCV000225360.5), dbSNP rs761212672, ClinGen allele CA1103634.

ClinVar aggregate classification (germline): Pathogenic. Review status: criteria provided, multiple submitters, no conflicts (2 of 4 stars). 4 submissions from 4 submitters: Pathogenic (4). Last evaluated 2024-05-07.

Conditions:
Ichthyosis vulgaris. Also called: Dominant ichthyosis vulgaris; ICHTHYOSIS SIMPLEX. Identifiers: MedGen C0079584, MONDO:0024304, OMIM 146700.

Allele frequency attached by ClinVar (database versions not stated): gnomAD 0.00001; TOPMed 0.00001; ExAC 0.00002; gnomAD exomes 0.00003.
gnomAD v4.1: 80 of 1,613,820 alleles (0.005%); highest among the groups gnomAD compares: East Asian, 0.17%; no homozygotes.

Submissions (4):

GeneDx
Classification: Pathogenic. Last evaluated: 2024-05-07. Review status: criteria provided, single submitter. Criteria: GeneDx Variant Classification Process June 2021. Collection method: clinical testing. Allele origin: germline. Affected: yes.
Comment: Observed in the heterozygous state as well as with a second loss-of-function FLG variant in individuals with ichthyosis vulgaris with or without atopic dermatitis in the published literature (PMID: 27519469, 18200065); Nonsense variant predicted to result in protein truncation, as the last 766 amino acids are lost, and other loss-of-function variants have been reported downstream in HGMD; This variant is associated with the following publications: (PMID: 27519469, 18200065, 28120571, 35870561, 25997159)

Genome-Nilou Lab
Classification: Pathogenic for Ichthyosis vulgaris. Last evaluated: 2023-04-11. Review status: criteria provided, single submitter. Criteria: ACMG Guidelines, 2015. Collection method: clinical testing. Allele origin: germline. Affected: no.

Baylor Genetics
Classification: Pathogenic for Ichthyosis vulgaris. Last evaluated: 2018-07-29. Review status: criteria provided, single submitter. Criteria: ACMG Guidelines, 2015. Collection method: clinical testing. Allele origin: paternal. Affected: yes.
Comment: This variant was determined to be pathogenic according to ACMG Guidelines, 2015 [PMID:25741868]. This variant has been previously reported in multiple patients with ichthyosis vulgaris or atopic dermatitis [PMID 18200065, 28120571, 25997159, 27519469]

Soonchunhyang University Bucheon Hospital, Soonchunhyang University Medical Center
Classification: Pathogenic for Ichthyosis vulgaris. Last evaluated: 2016-03-18. Review status: criteria provided, single submitter. Criteria: ACMG Guidelines, 2015. Collection method: reference population. Allele origin: germline. Observed: 3 variant alleles.

Literature cited by the submitters: PubMed 18200065 (cited by Baylor Genetics and Soonchunhyang University Bucheon Hospital, Soonchunhyang University Medical Center); PubMed 28120571 (cited by Baylor Genetics); PubMed 25997159 (cited by Baylor Genetics); PubMed 27519469 (cited by Baylor Genetics).